The following is an entry in ClinVar:

NM_000512.5(GALNS):c.874del (p.Ala292fs)

Gene: GALNS (galactosamine (N-acetyl)-6-sulfatase; minus strand). Cytogenetic location: 16q24.3.
Variant type: Deletion.
Coding change: c.874del on transcript NM_000512.5 (MANE Select); coding-DNA position 874, one base deleted (G; older notation c.874delG).
Protein change: p.Ala292fs; shifts the reading frame from alanine 292.
Molecular consequence: frameshift variant.
Genome position (GRCh38, 1-based): chr16:88,835,237, C deleted on the plus strand (G on the coding strand, the reverse complement: GALNS is on the minus strand). VCF-style (leftmost placement, unchanged base first): chr16-88835236-GC-G. GRCh37 (hg19) VCF-style: chr16-88901644-GC-G.
Other names: c.319del, p.Ala107fs (NM_001323543.2); c.892del, p.Ala298fs (NM_001323544.2); short protein forms A107fs, A292fs, A298fs.
Identifiers: ClinVar variation 1048477 (VCV001048477.3), dbSNP rs2143001121, ClinGen allele CA915941056.

ClinVar aggregate classification (germline): Pathogenic (1 of 4 stars; one submission).

Conditions:
Mucopolysaccharidosis, MPS-IV-A (MPS4A). Also called: Mucopolysaccharidosis type IV A; Mucopolysaccharidosis Type IVA; Morquio syndrome A, mild; MORQUIO SYNDROME A; MPS IVA; mucopolysaccharidosis type 4A. Identifiers: Orphanet 309297, Orphanet 582, MedGen C0086651, MONDO:0009659, OMIM 253000.

Submission:

Laboratory of Diagnosis and Therapy of Lysosomal Disorders, University of Padova
Classification: Pathogenic for Mucopolysaccharidosis, MPS-IV-A. Last evaluated: 2021-02-01. Review status: criteria provided, single submitter. Criteria: ACMG Guidelines, 2015. Collection method: curation. Allele origin: germline. Affected: yes.
Comment: Frameshift variant (PVS1_very strong); in vivo functional studies supportive of a damaging effect on the gene product (low to null enzymatic activity in homozygotes; PS3_supporting); absent from gnomAD v2.1.1 (PM2_moderate)

Literature cited by the submitters: PubMed 12442278; PubMed 34387910.